The following is an entry in ClinVar:

ClinVar aggregate classification (germline): Uncertain significance (1 of 4 stars; one submission).

Conditions:
Mucolipidosis type IV (ML4). Also called: ML IV. Identifiers: Orphanet 578, MedGen C0238286, MONDO:0009653, OMIM 252650.

Submission:

Labcorp Genetics (formerly Invitae), Labcorp
Classification: Uncertain significance for Mucolipidosis type IV. Last evaluated: 2022-01-14. Review status: criteria provided, single submitter. Criteria: Invitae Variant Classification Sherloc (09022015). Collection method: clinical testing. Allele origin: germline.
Comment: This variant is not present in population databases (gnomAD no frequency). This sequence change replaces leucine, which is neutral and non-polar, with valine, which is neutral and non-polar, at codon 66 of the MCOLN1 protein (p.Leu66Val). This variant has not been reported in the literature in individuals affected with MCOLN1-related conditions. In summary, the available evidence is currently insufficient to determine the role of this variant in disease. Therefore, it has been classified as a Variant of Uncertain Significance. Algorithms developed to predict the effect of sequence changes on RNA splicing suggest that this variant may create or strengthen a splice site. Algorithms developed to predict the effect of missense changes on protein structure and function are either unavailable or do not agree on the potential impact of this missense change (SIFT: "Deleterious"; PolyPhen-2: "Probably Damaging"; Align-GVGD: "Class C0").

NM_020533.3(MCOLN1):c.196C>G (p.Leu66Val)

Gene: MCOLN1 (mucolipin TRP cation channel 1; plus strand). Cytogenetic location: 19p13.2.
Variant type: single nucleotide variant.
Coding change: c.196C>G on transcript NM_020533.3 (MANE Select); coding-DNA position 196, C replaced by G.
Protein change: p.Leu66Val; replaces leucine 66 with valine.
Molecular consequence: missense variant.
Genome position (GRCh38, 1-based): chr19:7,525,125, C>G. VCF-style: chr19-7525125-C-G. GRCh37 (hg19) VCF-style: chr19-7590011-C-G.
Other names: short protein forms L66V.
Identifiers: ClinVar variation 2071466 (VCV002071466.4), dbSNP rs2512468262, ClinGen allele CA403152944.